The following is an entry in ClinVar:

ClinVar aggregate classification (germline): Likely benign. Review status: criteria provided, multiple submitters, no conflicts (2 of 4 stars). 2 submissions from 2 submitters: Likely benign (2). Last evaluated 2025-06-30.

Conditions:
Cardiomyopathy (CMYO). Also called: Cardiomyopathies. Identifiers: Orphanet 167848, MedGen C0878544, MONDO:0004994, HP:0001638. Inheritance: Various modes of inheritance.

Submissions (2):

Color Diagnostics, LLC DBA Color Health
Classification: Likely benign for Cardiomyopathy. Last evaluated: 2025-06-30. Review status: criteria provided, single submitter. Criteria: ACMG Guidelines, 2015. Collection method: clinical testing. Allele origin: germline.

GeneDx
Classification: Likely benign. Last evaluated: 2017-08-01. Review status: criteria provided, single submitter. Criteria: GeneDx Variant Classification (06012015). Collection method: clinical testing. Allele origin: germline. Affected: yes.
Comment: This variant is considered likely benign or benign based on one or more of the following criteria: it is a conservative change, it occurs at a poorly conserved position in the protein, it is predicted to be benign by multiple in silico algorithms, and/or has population frequency not consistent with disease.

NM_004415.4(DSP):c.837G>C (p.Thr279=)

Gene: DSP (desmoplakin; plus strand). Cytogenetic location: 6p24.3.
Variant type: single nucleotide variant.
Coding change: c.837G>C on transcript NM_004415.4 (MANE Select); coding-DNA position 837, G replaced by C.
Protein change: p.Thr279=; no amino-acid change (threonine 279 retained).
Molecular consequence: synonymous variant.
Genome position (GRCh38, 1-based): chr6:7,565,418, G>C. VCF-style: chr6-7565418-G-C. GRCh37 (hg19) VCF-style: chr6-7565651-G-C.
Other names: c.837G>C (LRG_423t1); c.837G>C, p.Thr279= (NM_001008844.3, NM_001319034.2).
Identifiers: ClinVar variation 511169 (VCV000511169.2), dbSNP rs368051840, ClinGen allele CA448518029.
Genomic context (GRCh38, chr6:7,565,418, plus strand): 5'-GAAAGCGTCCTTTGAGAGGATGGATCACCTGCGACAGCTGCAGAACATCATTCAGGCCAC[G>C]TCCAGGGAGATCATGTGGATCAATGACTGCGAGGAGGAGGAGCTGCTGTACGACTGGAGC-3'
Protein context (NP_004406.2, residues 269-289): LRQLQNIIQA[Thr279=]SREIMWINDC